The following is an entry in ClinVar:

ClinVar aggregate classification (germline): Pathogenic (1 of 4 stars; one submission).

Conditions:
Neurofibromatosis, type 1 (NF1). Also called: NEUROFIBROMATOSIS, TYPE I, SOMATIC; Peripheral type neurofibromatosis; VON RECKLINGHAUSEN DISEASE; Neurofibromatosis, type I. Identifiers: Orphanet 636, MedGen C0027831, MONDO:0018975, OMIM 162200. Disease mechanism: loss of function.

Submission:

Labcorp Genetics (formerly Invitae), Labcorp
Classification: Pathogenic for Neurofibromatosis, type 1. Last evaluated: 2022-11-20. Review status: criteria provided, single submitter. Criteria: Invitae Variant Classification Sherloc (09022015). Collection method: clinical testing. Allele origin: germline.
Comment: For these reasons, this variant has been classified as Pathogenic. This variant has not been reported in the literature in individuals affected with NF1-related conditions. This variant is not present in population databases (gnomAD no frequency). This sequence change creates a premature translational stop signal (p.Lys1956Hisfs*3) in the NF1 gene. It is expected to result in an absent or disrupted protein product. Loss-of-function variants in NF1 are known to be pathogenic (PMID: 10712197, 23913538).

Literature cited by the submitters: PubMed 10712197; PubMed 23913538.

NM_001042492.3(NF1):c.5929_5945del (p.Lys1977fs)

Gene: NF1 (neurofibromin 1; plus strand). Cytogenetic location: 17q11.2.
Variant type: Deletion.
Coding change: c.5929_5945del on transcript NM_001042492.3 (MANE Select); coding-DNA positions 5929 to 5945, 17 bases deleted (AAGCTGATAACAATGAC).
Protein change: p.Lys1977fs; shifts the reading frame from lysine 1977.
Molecular consequence: frameshift variant.
Genome position (GRCh38, 1-based): chr17:31,334,954-31,334,970, AAGCTGATAACAATGAC deleted; deleting any 17 consecutive bases within chr17:31,334,950-31,334,970 gives the same sequence; the c. name uses the placement nearest the transcript's 3' end. VCF-style (leftmost placement, unchanged base first): chr17-31334949-TTGACAAGCTGATAACAA-T. GRCh37 (hg19) VCF-style: chr17-29661967-TTGACAAGCTGATAACAA-T.
Other names: c.5866_5882del17, p.Lys1956Hisfs (NM_000267.4); short protein forms K1977fs, K1956fs.
Identifiers: ClinVar variation 2815411 (VCV002815411.3), dbSNP rs2508737039, ClinGen allele CA2739267484.